The following is an entry in ClinVar:

NM_207391.3(RGS9BP):c.395G>T (p.Arg132Leu)

Gene: RGS9BP (regulator of G protein signaling 9 binding protein; plus strand). Cytogenetic location: 19q13.11.
Variant type: single nucleotide variant.
Coding change: c.395G>T on transcript NM_207391.3 (MANE Select); coding-DNA position 395, G replaced by T.
Protein change: p.Arg132Leu; replaces arginine 132 with leucine.
Molecular consequence: missense variant.
Genome position (GRCh38, 1-based): chr19:32,676,658, G>T. VCF-style: chr19-32676658-G-T. GRCh37 (hg19) VCF-style: chr19-33167564-G-T.
Other names: short protein forms R132L.
Identifiers: ClinVar variation 1351124 (VCV001351124.9), dbSNP rs1968009534, ClinGen allele CA405186660.

ClinVar aggregate classification (germline): Uncertain significance. Review status: criteria provided, multiple submitters, no conflicts (2 of 4 stars). 2 submissions from 2 submitters: Uncertain significance (2). Last evaluated 2021-06-01.

Submissions (2):

Labcorp Genetics (formerly Invitae), Labcorp
Classification: Uncertain significance. Last evaluated: 2021-06-01. Review status: criteria provided, single submitter. Criteria: Invitae Variant Classification Sherloc (09022015). Collection method: clinical testing. Allele origin: germline.
Comment: This sequence change replaces arginine with leucine at codon 132 of the RGS9BP protein (p.Arg132Leu). The arginine residue is moderately conserved and there is a moderate physicochemical difference between arginine and leucine. In summary, the available evidence is currently insufficient to determine the role of this variant in disease. Therefore, it has been classified as a Variant of Uncertain Significance. Algorithms developed to predict the effect of missense changes on protein structure and function are either unavailable or do not agree on the potential impact of this missense change (SIFT: "Deleterious"; PolyPhen-2: "Probably Damaging"; Align-GVGD: "Class C0"). This variant has not been reported in the literature in individuals with RGS9BP-related conditions. The frequency data for this variant in the population databases is considered unreliable, as metrics indicate insufficient coverage at this position in the ExAC database.

Blueprint Genetics
Classification: Uncertain significance. Last evaluated: 2019-08-06. Review status: criteria provided, single submitter. Criteria: ACMG Guidelines, 2015. Collection method: clinical testing. Allele origin: germline.